The following is an entry in ClinVar:

NM_001393769.1(MED12L):c.3909T>G (p.Cys1303Trp)

Genes: MED12L (mediator complex subunit 12L; plus strand), P2RY12 (purinergic receptor P2Y12; minus strand). Cytogenetic location: 3q25.1.
Variant type: single nucleotide variant.
Coding change: c.3909T>G on transcript NM_001393769.1 (MANE Select); coding-DNA position 3909, T replaced by G.
Protein change: p.Cys1303Trp; replaces cysteine 1303 with tryptophan.
Molecular consequence: missense variant. On other transcripts: intron variant (1).
Genome position (GRCh38, 1-based): chr3:151,376,070, T>G. VCF-style: chr3-151376070-T-G. GRCh37 (hg19) VCF-style: chr3-151093858-T-G.
Other names: c.3804T>G, p.Cys1268Trp (NM_053002.6); c.-180+8622A>C (NM_022788.5); short protein forms C1268W, C1303W.
Identifiers: ClinVar variation 1709936 (VCV001709936.2), dbSNP rs2473843047, ClinGen allele CA354972055.
Genomic context (GRCh38, chr3:151,376,070, plus strand): 5'-GCCATATTATTTTTAGGAATGGGTAGGAGAGCATTGCTTAAAAGAACCTGAAAGATTATG[T>G]ACAGACAAAGAACTTATATTGGACCCTGTGCTTTCAAATATGCAAGCACAGAAATTACTG-3'
Protein context (NP_001380698.1, residues 1293-1313): EHCLKEPERL[Cys1303Trp]TDKELILDPV

ClinVar aggregate classification (germline): Uncertain significance (1 of 4 stars; one submission).

Conditions:
Nizon-Isidor syndrome. Identifiers: MedGen C5394350, MONDO:0030030, OMIM 618872.

Submission:

MGZ Medical Genetics Center
Classification: Uncertain significance for Nizon-Isidor syndrome. Last evaluated: 2021-10-22. Review status: criteria provided, single submitter. Criteria: ACMG Guidelines, 2015. Collection method: clinical testing. Allele origin: germline. Affected: yes. Observed: 1 variant allele.
Comment: ACMG criteria applied: PS2, PM2_SUP